The following is an entry in ClinVar:

ClinVar aggregate classification (germline): Uncertain significance (1 of 4 stars; one submission).

Conditions:
Inborn genetic diseases. Identifiers: MedGen C0950123, MeSH D030342.

Submission:

Ambry Genetics
Classification: Uncertain significance for Inborn genetic diseases. Last evaluated: 2023-10-05. Review status: criteria provided, single submitter. Criteria: Ambry Variant Classification Scheme 2023. Collection method: clinical testing. Allele origin: germline.
Comment: The p.M1869L variant (also known as c.5605A>T), located in coding exon 38 of the LRRK2 gene, results from an A to T substitution at nucleotide position 5605. The methionine at codon 1869 is replaced by leucine, an amino acid with highly similar properties. This amino acid position is conserved. In addition, the in silico prediction for this alteration is inconclusive. Since supporting evidence is limited at this time, the clinical significance of this alteration remains unclear.

NM_198578.4(LRRK2):c.5605A>T (p.Met1869Leu)

Gene: LRRK2 (leucine rich repeat kinase 2; plus strand). Cytogenetic location: 12q12.
Variant type: single nucleotide variant.
Coding change: c.5605A>T on transcript NM_198578.4 (MANE Select); coding-DNA position 5605, A replaced by T.
Protein change: p.Met1869Leu; replaces methionine 1869 with leucine.
Molecular consequence: missense variant.
Genome position (GRCh38, 1-based): chr12:40,323,255, A>T. VCF-style: chr12-40323255-A-T. GRCh37 (hg19) VCF-style: chr12-40717057-A-T.
Other names: short protein forms M1869L.
Identifiers: ClinVar variation 3229705 (VCV003229705.1), dbSNP rs281865052, ClinGen allele CA384421150.
Genomic context (GRCh38, chr12:40,323,255, plus strand): 5'-ACCATTCCAATATCTCAGATTGCCCCTGACTTGATTTTGGCTGACCTGCCTAGAAATATT[A>T]TGTTGAATAATGATGAGTTGGAATTTGAACAAGCTCCAGAGTTTCTCCTAGGTAATTCTT-3'
Protein context (NP_940980.4, residues 1859-1879): LILADLPRNI[Met1869Leu]LNNDELEFEQ